The following is an entry in ClinVar:

ClinVar aggregate classification (germline): Uncertain significance (1 of 4 stars; one submission).

Allele frequency attached by ClinVar (database versions not stated): gnomAD 0.00001; ExAC 0.00002.
gnomAD v4.1: 8 of 1,612,672 alleles (0.0005%); highest among the groups gnomAD compares: South Asian, 0.0066%; no homozygotes.

Submission:

GeneDx
Classification: Uncertain significance. Last evaluated: 2022-12-09. Review status: criteria provided, single submitter. Criteria: GeneDx Variant Classification Process June 2021. Collection method: clinical testing. Allele origin: germline. Affected: yes.
Comment: In silico analysis supports that this missense variant has a deleterious effect on protein structure/function; Has not been previously published as pathogenic or benign to our knowledge

NM_001365276.2(TNXB):c.1930G>A (p.Gly644Ser)

Gene: TNXB (tenascin XB; minus strand). Cytogenetic location: 6p21.33.
Variant type: single nucleotide variant.
Coding change: c.1930G>A on transcript NM_001365276.2 (MANE Select); coding-DNA position 1930, G replaced by A.
Protein change: p.Gly644Ser; replaces glycine 644 with serine.
Molecular consequence: missense variant.
Genome position (GRCh38, 1-based): chr6:32,095,923, C>T on the plus strand (G>A on the coding strand, the complement: TNXB is on the minus strand). VCF-style: chr6-32095923-C-T. GRCh37 (hg19) VCF-style: chr6-32063700-C-T.
Other names: c.1930G>A, p.Gly644Ser (NM_019105.8); short protein forms G644S.
Identifiers: ClinVar variation 2504851 (VCV002504851.1), dbSNP rs764261572, ClinGen allele CA3735593.